The following is an entry in ClinVar:

ClinVar aggregate classification (germline): Uncertain significance (1 of 4 stars; one submission).

Conditions:
Early-infantile DEE. Also called: Early infantile epileptic encephalopathy; Early infantile epileptic encephalopathy with suppression bursts; Ohtahara syndrome. Identifiers: Orphanet 1934, MedGen C0393706, MONDO:0800491.

Submission:

Labcorp Genetics (formerly Invitae), Labcorp
Classification: Uncertain significance for Early-infantile DEE. Last evaluated: 2024-03-17. Review status: criteria provided, single submitter. Criteria: Invitae Variant Classification Sherloc (09022015). Collection method: clinical testing. Allele origin: germline.
Comment: This variant, c.7054_7056del, results in the deletion of 1 amino acid(s) of the SPTAN1 protein (p.Glu2352del), but otherwise preserves the integrity of the reading frame. This variant is not present in population databases (gnomAD no frequency). This variant has been observed in individual(s) with clinical features of SPTAN1-related condition (PMID: 30525188). Experimental studies and prediction algorithms are not available or were not evaluated, and the functional significance of this variant is currently unknown. In summary, the available evidence is currently insufficient to determine the role of this variant in disease. Therefore, it has been classified as a Variant of Uncertain Significance.

Literature cited by the submitters: PubMed 30525188.

NM_001130438.3(SPTAN1):c.7054_7056del (p.Glu2352del)

Gene: SPTAN1 (spectrin alpha, non-erythrocytic 1; plus strand). Cytogenetic location: 9q34.11.
Variant type: Deletion.
Coding change: c.7054_7056del on transcript NM_001130438.3 (MANE Select); coding-DNA positions 7054 to 7056, 3 bases deleted (GAG; older notation c.7054_7056delGAG).
Protein change: p.Glu2352del; deletes glutamic acid 2352.
Genome position (GRCh38, 1-based): chr9:128,632,612-128,632,614, GAG deleted; deleting any 3 consecutive bases within chr9:128,632,610-128,632,614 gives the same sequence; the c. name uses the placement nearest the transcript's 3' end. VCF-style (leftmost placement, unchanged base first): chr9-128632609-CAGG-C. GRCh37 (hg19) VCF-style: chr9-131394888-CAGG-C.
Other names: c.6979_6981del, p.Glu2327del (NM_001195532.2); c.7117_7119del, p.Glu2373del (NM_001363759.2); c.6994_6996del, p.Glu2332del (NM_001363765.2, NM_001375314.2); c.7141_7143del, p.Glu2381del (NM_001375310.1); c.7054_7056del, p.Glu2352del (NM_001375311.2); c.7090_7092del, p.Glu2364del (NM_001375312.2); c.7036_7038del, p.Glu2346del (NM_001375313.1); c.7153_7155del, p.Glu2385del (NM_001375318.1); and 1 more; short protein forms E2346del, E2347del, E2352del, E2327del, E2373del, E2332del, E2364del, E2381del.
Identifiers: ClinVar variation 3706372 (VCV003706372.2).